The following is an entry in ClinVar:

ClinVar aggregate classification (germline): Uncertain significance. Review status: criteria provided, multiple submitters, no conflicts (2 of 4 stars). 2 submissions from 2 submitters: Uncertain significance (2). Last evaluated 2026-08-17.

Conditions:
Hereditary cancer-predisposing syndrome. Also called: Tumor predisposition; Hereditary Cancer Syndrome; Hereditary neoplastic syndrome; Neoplastic Syndromes, Hereditary. Identifiers: Orphanet 140162, MedGen C0027672, MeSH D009386, MONDO:0015356.
Gastrointestinal stromal tumor. Also called: Gastrointestinal stromal tumor, somatic; Gastrointestinal stroma tumor. Identifiers: Orphanet 44890, MedGen C0238198, MeSH D046152, MONDO:0011719, OMIM 606764, HP:0100723.
Pheochromocytoma/paraganglioma syndrome 3. Also called: SDHC-Related Hereditary Paraganglioma-Pheochromocytoma Syndrome (Paragangliomas 3); Paragangliomas 3; GLOMUS TUMORS, FAMILIAL, 3; SDHC-Related Hereditary Paraganglioma-Pheochromocytoma Syndrome. Identifiers: Orphanet 29072, MedGen C1854336, MONDO:0011544, OMIM 605373.

Allele frequency attached by ClinVar (database versions not stated): gnomAD exomes below 0.00001.
gnomAD v4.1: 1 of 1,613,872 alleles (0.000062%); highest among the groups gnomAD compares: Non-Finnish European, 0.000085%; no homozygotes.

Submissions (2):

Ambry Genetics
Classification: Uncertain significance for Hereditary cancer-predisposing syndrome. Last evaluated: 2026-08-17. Review status: criteria provided, single submitter. Criteria: Ambry Variant Classification Scheme 2023. Collection method: clinical testing. Allele origin: germline.
Comment: The p.E37V variant (also known as c.110A>T), located in coding exon 3 of the SDHC gene, results from an A to T substitution at nucleotide position 110. The glutamic acid at codon 37 is replaced by valine, an amino acid with dissimilar properties. This amino acid position is highly conserved in available vertebrate species. In addition, this alteration is predicted to be deleterious by in silico analysis. Based on the available evidence, the clinical significance of this variant remains unclear.

Labcorp Genetics (formerly Invitae), Labcorp
Classification: Uncertain significance for Pheochromocytoma/paraganglioma syndrome 3; Gastrointestinal stromal tumor. Last evaluated: 2023-10-06. Review status: criteria provided, single submitter. Criteria: Invitae Variant Classification Sherloc (09022015). Collection method: clinical testing. Allele origin: germline.
Comment: This sequence change replaces glutamic acid, which is acidic and polar, with valine, which is neutral and non-polar, at codon 37 of the SDHC protein (p.Glu37Val). This variant is not present in population databases (gnomAD no frequency). This variant has not been reported in the literature in individuals affected with SDHC-related conditions. ClinVar contains an entry for this variant (Variation ID: 1040508). An algorithm developed to predict the effect of missense changes on protein structure and function (PolyPhen-2) suggests that this variant is likely to be disruptive. In summary, the available evidence is currently insufficient to determine the role of this variant in disease. Therefore, it has been classified as a Variant of Uncertain Significance.

NM_003001.5(SDHC):c.110A>T (p.Glu37Val)

Gene: SDHC (succinate dehydrogenase complex subunit C; plus strand). Cytogenetic location: 1q23.3.
Variant type: single nucleotide variant.
Coding change: c.110A>T on transcript NM_003001.5 (MANE Select); coding-DNA position 110, A replaced by T.
Protein change: p.Glu37Val; replaces glutamic acid 37 with valine.
Molecular consequence: missense variant. On other transcripts: intron variant (4), 5 prime UTR variant (2), non-coding transcript variant (1).
Genome position (GRCh38, 1-based): chr1:161,328,428, A>T. VCF-style: chr1-161328428-A-T. GRCh37 (hg19) VCF-style: chr1-161298218-A-T.
Other names: c.77+4758A>T (NM_001035512.3, NM_001278172.3, NM_001407118.1); c.21-12166A>T (NM_001035513.3); c.110A>T, p.Glu37Val (NM_001035511.3, NM_001407115.1); c.53A>T, p.Glu18Val (NM_001407116.1, NM_001407117.1, NM_001407121.1); c.-2A>T (NM_001407119.1, NM_001407120.1); short protein forms E37V, E18V.
Identifiers: ClinVar variation 1040508 (VCV001040508.27), dbSNP rs1671147192, ClinGen allele CA343360995.